The following is an entry in ClinVar:

ClinVar aggregate classification (germline): Uncertain significance (1 of 4 stars; one submission).

Conditions:
Hereditary cancer-predisposing syndrome. Also called: Hereditary Cancer Syndrome; Hereditary neoplastic syndrome; Neoplastic Syndromes, Hereditary; Tumor predisposition. Identifiers: Orphanet 140162, MedGen C0027672, MeSH D009386, MONDO:0015356.

Submission:

Ambry Genetics
Classification: Uncertain significance for Hereditary cancer-predisposing syndrome. Last evaluated: 2022-05-30. Review status: criteria provided, single submitter. Criteria: Ambry Variant Classification Scheme 2023. Collection method: clinical testing. Allele origin: germline.
Comment: The p.V1863A variant (also known as c.5588T>C), located in coding exon 41 of the POLE gene, results from a T to C substitution at nucleotide position 5588. The valine at codon 1863 is replaced by alanine, an amino acid with similar properties. This amino acid position is conserved. In addition, the in silico prediction for this alteration is inconclusive. Since supporting evidence is limited at this time, the clinical significance of this alteration remains unclear.

NM_006231.4(POLE):c.5588T>C (p.Val1863Ala)

Gene: POLE (DNA polymerase epsilon, catalytic subunit; minus strand). Cytogenetic location: 12q24.33.
Variant type: single nucleotide variant.
Coding change: c.5588T>C on transcript NM_006231.4 (MANE Select); coding-DNA position 5588, T replaced by C.
Protein change: p.Val1863Ala; replaces valine 1863 with alanine.
Molecular consequence: missense variant.
Genome position (GRCh38, 1-based): chr12:132,638,104, A>G on the plus strand (T>C on the coding strand, the complement: POLE is on the minus strand). VCF-style: chr12-132638104-A-G. GRCh37 (hg19) VCF-style: chr12-133214690-A-G.
Other names: short protein forms V1863A.
Identifiers: ClinVar variation 1748455 (VCV001748455.2), dbSNP rs2138501865, ClinGen allele CA387374152.